The following is an entry in ClinVar:

NC_000007.14:g.156789705T>C

Genes: LMBR1 (limb development membrane protein 1; minus strand), SHH (sonic hedgehog signaling molecule; minus strand). Cytogenetic location: 7q36.3.
Variant type: single nucleotide variant.
Molecular consequence: intron variant (on NM_022458.4).
Genome position: GRCh38 VCF-style: chr7-156789705-T-C. GRCh37 (hg19) VCF-style: chr7-156582399-T-C.
Other names: c.360+6684A>G (NM_001363412.2); c.144+6684A>G (NM_001350954.2); c.423+6684A>G (NM_001363410.2, NM_022458.4, NM_001363409.2 and 1 more transcripts); c.-112+6684A>G (NM_001350958.2, NM_001350956.2, NM_001350955.2 and 1 more transcripts); c.54+6684A>G (NM_001350957.2, NM_001363411.2).
Identifiers: ClinVar variation 2792666 (VCV002792666.3), dbSNP rs2536107806, ClinGen allele CA2739277992.

ClinVar aggregate classification (germline): Uncertain significance (1 of 4 stars; one submission).

Conditions:
Holoprosencephaly 3 (HPE3). Identifiers: Orphanet 2162, MedGen C1840529, MONDO:0007733, OMIM 142945.

Submission:

Labcorp Genetics (formerly Invitae), Labcorp
Classification: Uncertain significance for Holoprosencephaly 3. Last evaluated: 2023-09-15. Review status: criteria provided, single submitter. Criteria: Invitae Variant Classification Sherloc (09022015). Collection method: clinical testing. Allele origin: germline.
Comment: This variant is not present in population databases (gnomAD no frequency). In summary, the available evidence is currently insufficient to determine the role of this variant in disease. Therefore, it has been classified as a Variant of Uncertain Significance. Experimental studies and prediction algorithms are not available or were not evaluated, and the functional significance of this variant is currently unknown. This variant has not been reported in the literature in individuals affected with SHH-related conditions. This variant occurs in a non-coding region of the SHH gene. It does not change the encoded amino acid sequence of the SHH protein.